The following is an entry in ClinVar:

NM_001369.3(DNAH5):c.13656_13659del (p.Ile4553fs)

Gene: DNAH5 (dynein axonemal heavy chain 5; minus strand). Cytogenetic location: 5p15.2.
Variant type: Deletion.
Coding change: c.13656_13659del on transcript NM_001369.3 (MANE Select); coding-DNA positions 13656 to 13659, 4 bases deleted (CATT; older notation c.13656_13659delCATT).
Protein change: p.Ile4553fs; shifts the reading frame from isoleucine 4553.
Molecular consequence: frameshift variant.
Genome position (GRCh38, 1-based): chr5:13,700,704-13,700,707, AATG deleted on the plus strand (CATT on the coding strand, the reverse complement: DNAH5 is on the minus strand); deleting any 4 consecutive bases within chr5:13,700,704-13,700,708 gives the same sequence; the c. name uses the placement nearest the transcript's 3' end. VCF-style (leftmost placement, unchanged base first): chr5-13700703-CAATG-C. GRCh37 (hg19) VCF-style: chr5-13700812-CAATG-C.
Other names: short protein forms I4553fs.
Identifiers: ClinVar variation 1940054 (VCV001940054.5), dbSNP rs2546466828, ClinGen allele CA2580071977.

ClinVar aggregate classification (germline): Pathogenic (1 of 4 stars; one submission).

Conditions:
Primary ciliary dyskinesia. Also called: Ciliary dyskinesia. Identifiers: Orphanet 244, MedGen C0008780, MONDO:0016575, HP:0012265.

Submission:

Labcorp Genetics (formerly Invitae), Labcorp
Classification: Pathogenic for Primary ciliary dyskinesia. Last evaluated: 2022-09-30. Review status: criteria provided, single submitter. Criteria: Invitae Variant Classification Sherloc (09022015). Collection method: clinical testing. Allele origin: germline.
Comment: For these reasons, this variant has been classified as Pathogenic. This variant disrupts a region of the DNAH5 protein in which other variant(s) (p.Arg4592*) have been determined to be pathogenic (PMID: 32502767; Invitae). This suggests that this is a clinically significant region of the protein, and that variants that disrupt it are likely to be disease-causing. This sequence change creates a premature translational stop signal (p.Ile4553Asnfs*10) in the DNAH5 gene. While this is not anticipated to result in nonsense mediated decay, it is expected to disrupt the last 72 amino acid(s) of the DNAH5 protein. This variant is not present in population databases (gnomAD no frequency). This variant has not been reported in the literature in individuals affected with DNAH5-related conditions.

Literature cited by the submitters: PubMed 32502767.